The following is an entry in ClinVar:

NM_004519.4(KCNQ3):c.242C>G (p.Thr81Ser)

Gene: KCNQ3 (potassium voltage-gated channel subfamily Q member 3; minus strand). Cytogenetic location: 8q24.22.
Variant type: single nucleotide variant.
Coding change: c.242C>G on transcript NM_004519.4 (MANE Select); coding-DNA position 242, C replaced by G.
Protein change: p.Thr81Ser; replaces threonine 81 with serine.
Molecular consequence: missense variant.
Genome position (GRCh38, 1-based): chr8:132,480,291, G>C on the plus strand (C>G on the coding strand, the complement: KCNQ3 is on the minus strand). VCF-style: chr8-132480291-G-C. GRCh37 (hg19) VCF-style: chr8-133492538-G-C.
Other names: short protein forms T81S.
Identifiers: ClinVar variation 1496529 (VCV001496529.8), dbSNP rs77663285, ClinGen allele CA4880990.

ClinVar aggregate classification (germline): Uncertain significance (1 of 4 stars; one submission).

Conditions:
Benign neonatal seizures. Also called: Benign familial neonatal epilepsy; Benign familial neonatal seizures; Benign neonatal familial convulsions; Convulsions benign familial neonatal dominant form; Autosomal dominant form of benign neonatal seizures. Identifiers: Orphanet 1949, MedGen C0220669, MONDO:0016027.

gnomAD v4.1: 5 of 1,607,598 alleles (0.00031%); highest among the groups gnomAD compares: African/African-American, 0.0067%; no homozygotes.

Submission:

Labcorp Genetics (formerly Invitae), Labcorp
Classification: Uncertain significance for Benign neonatal seizures. Last evaluated: 2022-06-27. Review status: criteria provided, single submitter. Criteria: Invitae Variant Classification Sherloc (09022015). Collection method: clinical testing. Allele origin: germline.
Comment: Advanced modeling of protein sequence and biophysical properties (such as structural, functional, and spatial information, amino acid conservation, physicochemical variation, residue mobility, and thermodynamic stability) performed at Invitae indicates that this missense variant is not expected to disrupt KCNQ3 protein function. In summary, the available evidence is currently insufficient to determine the role of this variant in disease. Therefore, it has been classified as a Variant of Uncertain Significance. This variant has not been reported in the literature in individuals affected with KCNQ3-related conditions. This sequence change replaces threonine, which is neutral and polar, with serine, which is neutral and polar, at codon 81 of the KCNQ3 protein (p.Thr81Ser). This variant is present in population databases (rs77663285, gnomAD 0.01%).